The following is an entry in ClinVar:

NM_000059.4(BRCA2):c.7044_7049del (p.Phe2349_Thr2350del)

Gene: BRCA2 (BRCA2 DNA repair associated; plus strand). Cytogenetic location: 13q13.1.
Variant type: Deletion.
Coding change: c.7044_7049del on transcript NM_000059.4 (MANE Select); coding-DNA positions 7044 to 7049, 6 bases deleted (TTTTAC; older notation c.7044_7049delTTTTAC).
Protein change: p.Phe2349_Thr2350del.
Molecular consequence: inframe deletion.
Genome position (GRCh38, 1-based): chr13:32,354,897-32,354,902, TTTTAC deleted. VCF-style (leftmost placement, unchanged base first): chr13-32354896-ATTTTAC-A. GRCh37 (hg19) VCF-style: chr13-32929033-ATTTTAC-A.
Identifiers: ClinVar variation 958127 (VCV000958127.10), dbSNP rs2072676802, ClinGen allele CA1139663160.

ClinVar aggregate classification (germline): Uncertain significance (1 of 4 stars; one submission).

Conditions:
Hereditary breast ovarian cancer syndrome. Also called: Hereditary breast and ovarian cancer; BRCA1- and BRCA2-Associated Hereditary Breast and Ovarian Cancer; Hereditary breast and/or ovarian cancer syndrome; Hereditary breast and ovarian cancer syndrome; Hereditary breast and ovarian cancer syndrome (HBOC); Breast and ovarian cancer. Identifiers: Orphanet 145, MedGen C0677776, MeSH D061325, MONDO:0003582. Disease mechanism: loss of function.

Allele frequency attached by ClinVar (database versions not stated): TOPMed below 0.00001.

Submission:

Labcorp Genetics (formerly Invitae), Labcorp
Classification: Uncertain significance for Hereditary breast ovarian cancer syndrome. Last evaluated: 2019-11-07. Review status: criteria provided, single submitter. Criteria: Invitae Variant Classification Sherloc (09022015). Collection method: clinical testing. Allele origin: germline.
Comment: In summary, the available evidence is currently insufficient to determine the role of this variant in disease. Therefore, it has been classified as a Variant of Uncertain Significance. Experimental studies and prediction algorithms are not available or were not evaluated, and the functional significance of this variant is currently unknown. This variant has not been reported in the literature in individuals with BRCA2-related conditions. This variant is not present in population databases (ExAC no frequency). This variant, c.7044_7049del, results in the deletion of 2 amino acid(s) of the BRCA2 protein (p.Phe2349_Thr2350del), but otherwise preserves the integrity of the reading frame.